The following is an entry in ClinVar:

ClinVar aggregate classification (germline): Uncertain significance. Review status: criteria provided, multiple submitters, no conflicts (2 of 4 stars). 2 submissions from 2 submitters: Uncertain significance (2). Last evaluated 2025-11-10.

Conditions:
Ehlers-Danlos syndrome, dermatosparaxis type. Also called: EDS VIIC; Dermatosparaxis; Ehlers-Danlos syndrome, type VII, autosomal recessive. Identifiers: Orphanet 1901, MedGen C2700425, MONDO:0009161, OMIM 225410.

Allele frequency attached by ClinVar (database versions not stated): TOPMed below 0.00001; gnomAD 0.00001.
gnomAD v4.1: 12 of 1,614,070 alleles (0.00074%); highest among the groups gnomAD compares: South Asian, 0.0022%; no homozygotes.

Submissions (2):

Women's Health and Genetics/Laboratory Corporation of America, LabCorp
Classification: Uncertain significance. Last evaluated: 2025-11-10. Review status: criteria provided, single submitter. Criteria: LabCorp Variant Classification Summary - May 2015. Collection method: clinical testing. Allele origin: germline.
Comment: Variant summary: ADAMTS2 c.1087G>A (p.Ala363Thr) results in a non-conservative amino acid change in the encoded protein sequence. Algorithms developed to predict the effect of missense changes on protein structure and function all suggest that this variant is likely to be disruptive. The variant allele was found at a frequency of 8e-06 in 251432 control chromosomes. The available data on variant occurrences in the general population are insufficient to allow any conclusion about variant significance. To our knowledge, no occurrence of c.1087G>A in individuals affected with ADAMTS2-related conditions and no experimental evidence demonstrating its impact on protein function have been reported. ClinVar contains an entry for this variant (Variation ID: 2144945). Based on the evidence outlined above, the variant was classified as uncertain significance.

Labcorp Genetics (formerly Invitae), Labcorp
Classification: Uncertain significance for Ehlers-Danlos syndrome, dermatosparaxis type. Last evaluated: 2022-07-15. Review status: criteria provided, single submitter. Criteria: Invitae Variant Classification Sherloc (09022015). Collection method: clinical testing. Allele origin: germline.
Comment: This sequence change replaces alanine, which is neutral and non-polar, with threonine, which is neutral and polar, at codon 363 of the ADAMTS2 protein (p.Ala363Thr). This variant is present in population databases (no rsID available, gnomAD 0.003%). This variant has not been reported in the literature in individuals affected with ADAMTS2-related conditions. Algorithms developed to predict the effect of missense changes on protein structure and function (SIFT, PolyPhen-2, Align-GVGD) all suggest that this variant is likely to be disruptive. In summary, the available evidence is currently insufficient to determine the role of this variant in disease. Therefore, it has been classified as a Variant of Uncertain Significance.

NM_014244.5(ADAMTS2):c.1087G>A (p.Ala363Thr)

Gene: ADAMTS2 (ADAM metallopeptidase with thrombospondin type 1 motif 2; minus strand). Cytogenetic location: 5q35.3.
Variant type: single nucleotide variant.
Coding change: c.1087G>A on transcript NM_014244.5 (MANE Select); coding-DNA position 1087, G replaced by A.
Protein change: p.Ala363Thr; replaces alanine 363 with threonine.
Molecular consequence: missense variant.
Genome position (GRCh38, 1-based): chr5:179,158,768, C>T on the plus strand (G>A on the coding strand, the complement: ADAMTS2 is on the minus strand). VCF-style: chr5-179158768-C-T. GRCh37 (hg19) VCF-style: chr5-178585769-C-T.
Other names: c.1087G>A, p.Ala363Thr (NM_021599.4); short protein forms A363T.
Identifiers: ClinVar variation 2144945 (VCV002144945.2), dbSNP rs1336113069, ClinGen allele CA362406687.
Genomic context (GRCh38, chr5:179,158,768, plus strand): 5'-ATGGGTGAGGCTCACCTTGCATGCCGGAAGGCCCAAAGTCCTGCCGTGTGAGGAAGATGG[C>T]GTGATCGTGGTATTCATCGTGGCCCGTGTCTGGCTTCTGCTGGAGGTAGGCCCAGCGGCA-3'
Protein context (NP_055059.2, residues 353-373): DTGHDEYHDH[Ala363Thr]IFLTRQDFGP